The following is an entry in ClinVar:

ClinVar aggregate classification (germline): Uncertain significance (1 of 4 stars; one submission).

Conditions:
Multiple mitochondrial dysfunctions syndrome 1 (MMDS1). Identifiers: Orphanet 401869, MedGen C3276432, MONDO:0011582, OMIM 605711.

Allele frequency attached by ClinVar (database versions not stated): gnomAD exomes below 0.00001 and 0.00004; ExAC 0.00001; gnomAD 0.00001; TOPMed 0.00002.
gnomAD v4.1: 56 of 1,576,026 alleles (0.0036%); highest among the groups gnomAD compares: Non-Finnish European, 0.0046%; no homozygotes.

Submission:

Labcorp Genetics (formerly Invitae), Labcorp
Classification: Uncertain significance for Multiple mitochondrial dysfunctions syndrome 1. Last evaluated: 2023-12-21. Review status: criteria provided, single submitter. Criteria: Invitae Variant Classification Sherloc (09022015). Collection method: clinical testing. Allele origin: germline.
Comment: This sequence change replaces asparagine, which is neutral and polar, with aspartic acid, which is acidic and polar, at codon 125 of the NFU1 protein (p.Asn125Asp). This variant is present in population databases (rs769275443, gnomAD 0.002%). This variant has not been reported in the literature in individuals affected with NFU1-related conditions. ClinVar contains an entry for this variant (Variation ID: 1053699). An algorithm developed to predict the effect of missense changes on protein structure and function (PolyPhen-2) suggests that this variant¬†is likely to be tolerated. In summary, the available evidence is currently insufficient to determine the role of this variant in disease. Therefore, it has been classified as a Variant of Uncertain Significance.

NM_001002755.4(NFU1):c.373A>G (p.Asn125Asp)

Gene: NFU1 (NFU1 iron-sulfur cluster scaffold; minus strand). Cytogenetic location: 2p13.3.
Variant type: single nucleotide variant.
Coding change: c.373A>G on transcript NM_001002755.4 (MANE Select); coding-DNA position 373, A replaced by G.
Protein change: p.Asn125Asp; replaces asparagine 125 with aspartic acid.
Molecular consequence: missense variant. On other transcripts: 5 prime UTR variant (1), non-coding transcript variant (2).
Genome position (GRCh38, 1-based): chr2:69,415,296, T>C on the plus strand (A>G on the coding strand, the complement: NFU1 is on the minus strand). VCF-style: chr2-69415296-T-C. GRCh37 (hg19) VCF-style: chr2-69642428-T-C.
Other names: c.-51A>G (NM_001002756.2); c.301A>G, p.Asn101Asp (NM_001374284.1, NM_015700.4); short protein forms N101D, N125D.
Identifiers: ClinVar variation 1053699 (VCV001053699.7), dbSNP rs769275443, ClinGen allele CA1694188.